The following is an entry in ClinVar:

NM_000375.3(UROS):c.7G>T (p.Val3Phe)

Gene: UROS (uroporphyrinogen III synthase; minus strand). Cytogenetic location: 10q26.2.
Variant type: single nucleotide variant.
Coding change: c.7G>T on transcript NM_000375.3 (MANE Select); coding-DNA position 7, G replaced by T.
Protein change: p.Val3Phe; replaces valine 3 with phenylalanine.
Molecular consequence: missense variant. On other transcripts: non-coding transcript variant (3).
Genome position (GRCh38, 1-based): chr10:125,816,493, C>A on the plus strand (G>T on the coding strand, the complement: UROS is on the minus strand). VCF-style: chr10-125816493-C-A. GRCh37 (hg19) VCF-style: chr10-127505062-C-A.
Other names: c.7G>T, p.Val3Phe (NM_001324036.2, NM_001324037.2, NM_001324038.2 and 1 more transcripts); short protein forms V3F.
Identifiers: ClinVar variation 1066786 (VCV001066786.9), dbSNP rs773301339, ClinGen allele CA5738612.
Genomic context (GRCh38, chr10:125,816,493, plus strand): 5'-TTACCCTGATATACGGATCCTGGCCACAGTCATCTTCCTTCGCATCCTTCAGTAAAAGAA[C>A]CTTCATTATTGCCTGGCAGTCCTTATAGGGCACTGCGACAGAGCAAGGAAACAGATCTTA-3'
Protein context (NP_000366.1, residues 1-13): MK[Val3Phe]LLLKDAKEDD

ClinVar aggregate classification (germline): Likely pathogenic. Review status: criteria provided, multiple submitters, no conflicts (2 of 4 stars). 2 submissions from 2 submitters: Likely pathogenic (2). Last evaluated 2023-07-14.

Conditions:
Congenital erythropoietic porphyria. Also called: Congenital porphyria; Günther disease; Uroporphyrinogen III synthase, deficiency of; UROPORPHYRINOGEN III SYNTHASE DEFICIENCY; GUNTHER DISEASE; UROS DEFICIENCY. Identifiers: Orphanet 79277, MedGen C5886774, MONDO:0009902, OMIM 263700.

Allele frequency attached by ClinVar (database versions not stated): gnomAD exomes 0.00001 and below 0.00001; ExAC 0.00002.

Submissions (2):

Labcorp Genetics (formerly Invitae), Labcorp
Classification: Likely pathogenic. Last evaluated: 2023-07-14. Review status: criteria provided, single submitter. Criteria: Invitae Variant Classification Sherloc (09022015). Collection method: clinical testing. Allele origin: germline.
Comment: In summary, the currently available evidence indicates that the variant is pathogenic, but additional data are needed to prove that conclusively. Therefore, this variant has been classified as Likely Pathogenic. Experimental studies have shown that this missense change affects UROS function (PMID: 19099412). An algorithm developed to predict the effect of missense changes on protein structure and function (PolyPhen-2) suggests that this variant is likely to be disruptive. ClinVar contains an entry for this variant (Variation ID: 1066786). This missense change has been observed in individual(s) with congenital erythropoietic porphyria (PMID: 9188670, 23626549; Invitae). This variant is present in population databases (rs773301339, gnomAD 0.006%). This sequence change replaces valine, which is neutral and non-polar, with phenylalanine, which is neutral and non-polar, at codon 3 of the UROS protein (p.Val3Phe).

3billion
Classification: Likely pathogenic for Congenital erythropoietic porphyria. Review status: criteria provided, single submitter. Criteria: ACMG Guidelines, 2015. Collection method: clinical testing. Allele origin: unknown. Affected: yes. Observed: 1 homozygote.
Comment: The variant is observed at an extremely low frequency in the gnomAD v2.1.1 dataset (total allele frequency: <0.001%). Functional studies provide moderate evidence of the variant having a damaging effect on the gene or gene product (PMID: 9188670). In silico tool predictions suggest damaging effect of the variant on gene or gene product (REVEL: 0.86). Same nucleotide change resulting in same amino acid change has been previously reported to be associated with UROS related disorder (ClinVar ID: VCV001066786 / PMID: 9188670). Therefore, this variant is classified as Likely pathogenic according to the recommendation of ACMG/AMP guideline.

Literature cited by the submitters: PubMed 19099412 (cited by Labcorp Genetics (formerly Invitae), Labcorp); PubMed 9188670 (cited by Labcorp Genetics (formerly Invitae), Labcorp and 3billion); PubMed 23626549 (cited by Labcorp Genetics (formerly Invitae), Labcorp).